The following is an entry in ClinVar:

NM_198535.3(ZNF699):c.436_439del (p.Asp146fs)

Gene: ZNF699 (zinc finger protein 699; minus strand). Cytogenetic location: 19p13.2.
Variant type: Deletion.
Coding change: c.436_439del on transcript NM_198535.3 (MANE Select); coding-DNA positions 436 to 439, 4 bases deleted (GATT; older notation c.436_439delGATT).
Protein change: p.Asp146fs; shifts the reading frame from aspartic acid 146.
Molecular consequence: frameshift variant.
Genome position (GRCh38, 1-based): chr19:9,297,327-9,297,330, AATC deleted on the plus strand (GATT on the coding strand, the reverse complement: ZNF699 is on the minus strand); deleting any 4 consecutive bases within chr19:9,297,327-9,297,333 gives the same sequence; the c. name uses the placement nearest the transcript's 3' end. VCF-style (leftmost placement, unchanged base first): chr19-9297326-TAATC-T. GRCh37 (hg19) VCF-style: chr19-9408002-TAATC-T.
Other names: short protein forms D146fs.
Identifiers: ClinVar variation 1205835 (VCV001205835.2), dbSNP rs2144976149, ClinGen allele CA2499225654.
Genomic context (GRCh38, chr19:9,297,326, plus strand): 5'-CACTTTCTCTTTCTCACGAATGGCACTCACCTCAAATGTCTCTCATGGCTTTTGTTCTGA[TAATC>T]AATACCACAGGACTCCTGGTTTTCATGTAAACTGGAGAACCAGGAATCATTCCTTTTGAA-3'

ClinVar aggregate classification (germline): Pathogenic. Review status: criteria provided, single submitter (1 of 4 stars). 2 submissions from 2 submitters: Pathogenic (1). 1 of the submissions does not count toward it. Last evaluated 2024-10-04.

Conditions:
DEGCAGS syndrome. Also called: DEVELOPMENTAL DELAY WITH GASTROINTESTINAL, CARDIOVASCULAR, GENITOURINARY, AND SKELETAL ABNORMALITIES. Identifiers: MedGen C5561967, MONDO:0859181, OMIM 619488.

Submissions (2):

Dubai Health Genomic Medicine Center, Dubai Health
Classification: Pathogenic for DEGCAGS syndrome. Last evaluated: 2024-10-04. Review status: criteria provided, single submitter. Criteria: ACMG Guidelines, 2015. Collection method: research. Allele origin: germline. Affected: yes.
Comment: PVS1,PP1,PM2

OMIM
Classification: Pathogenic for DEGCAGS SYNDROME. Last evaluated: 2021-08-18. Review status: no assertion criteria provided. Collection method: literature only. Allele origin: germline. Not counted in ClinVar's aggregate classification.

Literature cited by the submitters: PubMed 33875846 (cited by OMIM).